The following is an entry in ClinVar:

NM_004064.5(CDKN1B):c.391G>T (p.Val131Leu)

Gene: CDKN1B (cyclin dependent kinase inhibitor 1B; plus strand). Cytogenetic location: 12p13.1.
Variant type: single nucleotide variant.
Coding change: c.391G>T on transcript NM_004064.5 (MANE Select); coding-DNA position 391, G replaced by T.
Protein change: p.Val131Leu; replaces valine 131 with leucine.
Molecular consequence: missense variant.
Genome position (GRCh38, 1-based): chr12:12,718,230, G>T. VCF-style: chr12-12718230-G-T. GRCh37 (hg19) VCF-style: chr12-12871164-G-T.
Other names: short protein forms V131L.
Identifiers: ClinVar variation 576530 (VCV000576530.8), dbSNP rs1565419631, ClinGen allele CA383970576.

ClinVar aggregate classification (germline): Uncertain significance (1 of 4 stars; one submission).

Conditions:
Multiple endocrine neoplasia type 4. Also called: MULTIPLE ENDOCRINE NEOPLASIA, TYPE IV. Identifiers: Orphanet 276152, MedGen C1970712, MONDO:0012552, OMIM 610755.

Submission:

Labcorp Genetics (formerly Invitae), Labcorp
Classification: Uncertain significance for Multiple endocrine neoplasia type 4. Last evaluated: 2024-02-23. Review status: criteria provided, single submitter. Criteria: Invitae Variant Classification Sherloc (09022015). Collection method: clinical testing. Allele origin: germline.
Comment: This sequence change replaces valine, which is neutral and non-polar, with leucine, which is neutral and non-polar, at codon 131 of the CDKN1B protein (p.Val131Leu). This variant is not present in population databases (gnomAD no frequency). This variant has not been reported in the literature in individuals affected with CDKN1B-related conditions. ClinVar contains an entry for this variant (Variation ID: 576530). An algorithm developed to predict the effect of missense changes on protein structure and function (PolyPhen-2) suggests that this variant is likely to be tolerated. In summary, the available evidence is currently insufficient to determine the role of this variant in disease. Therefore, it has been classified as a Variant of Uncertain Significance.